The following is an entry in ClinVar:

ClinVar aggregate classification (germline): Uncertain significance (1 of 4 stars; one submission).

Allele frequency attached by ClinVar (database versions not stated): TOPMed below 0.00001; ExAC 0.00001; gnomAD 0.00001.
gnomAD v4.1: 13 of 1,613,996 alleles (0.00081%); highest among the groups gnomAD compares: African/African-American, 0.0013%; no homozygotes.

Submission:

Labcorp Genetics (formerly Invitae), Labcorp
Classification: Uncertain significance. Last evaluated: 2023-12-07. Review status: criteria provided, single submitter. Criteria: Invitae Variant Classification Sherloc (09022015). Collection method: clinical testing. Allele origin: germline.
Comment: This sequence change replaces isoleucine, which is neutral and non-polar, with leucine, which is neutral and non-polar, at codon 12 of the FUK protein (p.Ile12Leu). This variant is present in population databases (rs748197913, gnomAD 0.003%). This variant has not been reported in the literature in individuals affected with FUK-related conditions. Algorithms developed to predict the effect of missense changes on protein structure and function output the following: SIFT: "Not Available"; PolyPhen-2: "Benign"; Align-GVGD: "Not Available". The leucine amino acid residue is found in multiple mammalian species, which suggests that this missense change does not adversely affect protein function. In summary, the available evidence is currently insufficient to determine the role of this variant in disease. Therefore, it has been classified as a Variant of Uncertain Significance.

NM_145059.3(FCSK):c.34A>C (p.Ile12Leu)

Gene: FCSK (fucose kinase; plus strand). Cytogenetic location: 16q22.1.
Variant type: single nucleotide variant.
Coding change: c.34A>C on transcript NM_145059.3 (MANE Select); coding-DNA position 34, A replaced by C.
Protein change: p.Ile12Leu; replaces isoleucine 12 with leucine.
Molecular consequence: missense variant.
Genome position (GRCh38, 1-based): chr16:70,463,224, A>C. VCF-style: chr16-70463224-A-C. GRCh37 (hg19) VCF-style: chr16-70497127-A-C.
Other names: short protein forms I12L.
Identifiers: ClinVar variation 3019816 (VCV003019816.3), dbSNP rs748197913, ClinGen allele CA8142693.